The following is an entry in ClinVar:

NM_024753.5(TTC21B):c.2168G>A (p.Arg723Gln)

Gene: TTC21B (tetratricopeptide repeat domain 21B; minus strand). Cytogenetic location: 2q24.3.
Variant type: single nucleotide variant.
Coding change: c.2168G>A on transcript NM_024753.5 (MANE Select); coding-DNA position 2168, G replaced by A.
Protein change: p.Arg723Gln; replaces arginine 723 with glutamine.
Molecular consequence: missense variant.
Genome position (GRCh38, 1-based): chr2:165,913,617, C>T on the plus strand (G>A on the coding strand, the complement: TTC21B is on the minus strand). VCF-style: chr2-165913617-C-T. GRCh37 (hg19) VCF-style: chr2-166770127-C-T.
Other names: c.2168G>A (NM_024753.3); short protein forms R723Q.
Identifiers: ClinVar variation 194675 (VCV000194675.16), dbSNP rs151309609, ClinGen allele CA240782.
Genomic context (GRCh38, chr2:165,913,617, plus strand): 5'-AACATCAGAAATTTTACCTCTAGAATATTCATGTATGCATCACCAAGGAGAAGAAAAGAC[C>T]GAGGGTTAGCCATTCTTTCAGCAATTTCTCTGGAAATCAGACCAACATTACTTAGCATAT-3'
Protein context (NP_079029.3, residues 713-733): REIAERMANP[Arg723Gln]SFLLLGDAYM

ClinVar aggregate classification (germline): Conflicting classifications of pathogenicity. Review status: criteria provided, conflicting classifications (1 of 4 stars). 7 submissions from 7 submitters: Uncertain significance (6); Likely benign (1). Last evaluated 2026-03-30.

Conditions:
TTC21B-related disorder. Also called: TTC21B-related condition; TTC21B-related disorders.
Inborn genetic diseases. Identifiers: MedGen C0950123, MeSH D030342.
Nephronophthisis 12 (NPHP12). Identifiers: Orphanet 655, MedGen C3151186, MONDO:0013442, OMIM 613820.
Asphyxiating thoracic dystrophy 4 (SRTD4). Also called: SHORT-RIB THORACIC DYSPLASIA 4 WITH OR WITHOUT POLYDACTYLY; SHORT-RIB THORACIC DYSPLASIA 4. Identifiers: Orphanet 474, MedGen C3151185, MONDO:0013441, OMIM 613819.
Jeune thoracic dystrophy. Also called: Jeune syndrome; Short-rib thoracic dysplasia; Infantile thoracic dystrophy; Thoracic pelvic phalangeal dystrophy; Jeune's syndrome; Chondroectodermal dysplasia-like syndrome. Identifiers: Orphanet 474, MedGen C0265275, MONDO:0018770.
Nephronophthisis. Also called: Juvenile Nephronophthisis. Identifiers: Orphanet 655, MedGen C0687120, MONDO:0019005, HP:0000090.

Allele frequency attached by ClinVar (database versions not stated): gnomAD 0.00003; gnomAD exomes 0.00003 and 0.00010; ExAC 0.00007; TOPMed 0.00007; ESP Exome Variant Server 0.00008.
gnomAD v4.1: 50 of 1,612,848 alleles (0.0031%); highest among the groups gnomAD compares: Admixed American, 0.052%; no homozygotes.

Submissions (7):

PreventionGenetics, part of Exact Sciences
Classification: Uncertain significance for TTC21B-related condition. Last evaluated: 2026-03-30. Review status: criteria provided, single submitter. Criteria: ACMG Guidelines, 2015. Collection method: clinical testing. Allele origin: germline.
Comment: The TTC21B c.2168G>A variant is predicted to result in the amino acid substitution p.Arg723Gln. To our knowledge, this variant has not been reported in the literature. This variant is reported in 0.068% of alleles in individuals of Latino descent in gnomAD, which may be too frequent to be a primary cause of disease. Although we suspect that this variant may be benign, at this time, the clinical significance of this variant is uncertain due to the absence of conclusive functional and genetic evidence.

Labcorp Genetics (formerly Invitae), Labcorp
Classification: Likely benign for Jeune thoracic dystrophy; Nephronophthisis. Last evaluated: 2025-12-26. Review status: criteria provided, single submitter. Criteria: Invitae Variant Classification Sherloc (09022015). Collection method: clinical testing. Allele origin: germline.

Ambry Genetics
Classification: Uncertain significance for Inborn genetic diseases. Last evaluated: 2025-11-03. Review status: criteria provided, single submitter. Criteria: Ambry Variant Classification Scheme 2023. Collection method: clinical testing. Allele origin: germline.

GeneDx
Classification: Uncertain significance. Last evaluated: 2024-09-05. Review status: criteria provided, single submitter. Criteria: GeneDx Variant Classification Process June 2021. Collection method: clinical testing. Allele origin: germline. Affected: yes.
Comment: In silico analysis is inconclusive as to whether the variant alters gene splicing; in the absence of RNA/functional studies the actual effect of this sequence change is unknown; Has not been previously published as pathogenic or benign to our knowledge

Fulgent Genetics
Classification: Uncertain significance for Asphyxiating thoracic dystrophy 4; Nephronophthisis 12. Last evaluated: 2024-06-10. Review status: criteria provided, single submitter. Criteria: ACMG Guidelines, 2015. Collection method: clinical testing. Allele origin: germline.

Blueprint Genetics
Classification: Uncertain significance. Last evaluated: 2024-05-17. Review status: criteria provided, single submitter. Criteria: ACMG Guidelines, 2015. Collection method: clinical testing. Allele origin: germline.

Eurofins Ntd Llc (ga)
Classification: Uncertain significance. Last evaluated: 2014-08-21. Review status: criteria provided, single submitter. Criteria: EGL Classification Definitions 2015. Collection method: clinical testing. Allele origin: germline. Observed: 1 variant allele, 1 heterozygote.